The following is an entry in ClinVar:

NM_007294.4(BRCA1):c.5268G>A (p.Gln1756=)

Gene: BRCA1 (BRCA1 DNA repair associated; minus strand). Cytogenetic location: 17q21.31.
Variant type: single nucleotide variant.
Coding change: c.5268G>A on transcript NM_007294.4 (MANE Select); coding-DNA position 5268, G replaced by A.
Protein change: p.Gln1756=; no amino-acid change (glutamine 1756 retained).
Molecular consequence: synonymous variant.
Genome position (GRCh38, 1-based): chr17:43,057,061, C>T on the plus strand (G>A on the coding strand, the complement: BRCA1 is on the minus strand). VCF-style: chr17-43057061-C-T. GRCh37 (hg19) VCF-style: chr17-41209078-C-T.
Other names: c.5055G>A, p.Gln1685= (NM_001407571.1, NM_001407894.1, NM_001407895.1 and 12 more transcripts); c.5334G>A, p.Gln1778= (NM_001407581.1, NM_001407582.1); c.5331G>A, p.Gln1777= (NM_001407583.1, NM_001407585.1, NM_001407587.1 and 1 more transcripts); c.5328G>A, p.Gln1776= (NM_001407590.1, NM_001407591.1); c.5268G>A, p.Gln1756= (NM_001407593.1, NM_001407594.1, NM_001407596.1 and 7 more transcripts); c.5265G>A, p.Gln1755= (NM_001407610.1, NM_001407611.1, NM_001407612.1 and 17 more transcripts); c.5262G>A, p.Gln1754= (NM_001407627.1, NM_001407628.1, NM_001407629.1 and 14 more transcripts); c.5259G>A, p.Gln1753= (NM_001407644.1, NM_001407645.1); and 72 more.
Identifiers: ClinVar variation 427324 (VCV000427324.6), dbSNP rs571834423, ClinGen allele CA054286.

ClinVar aggregate classification (germline): Likely benign (3 of 4 stars; one submission).

Conditions:
Breast-ovarian cancer, familial, susceptibility to, 1 (BROVCA1). Also called: BRCA1 Hereditary Breast and Ovarian Cancer; OVARIAN CANCER, SUSCEPTIBILITY TO. Identifiers: Orphanet 145, MedGen C2676676, MONDO:0011450, OMIM 604370. Disease mechanism: loss of function.

Allele frequency attached by ClinVar (database versions not stated): ExAC 0.00001; 1000 Genomes Project 0.00020.

Submissions (2):

Evidence-based Network for the Interpretation of Germline Mutant Alleles (ENIGMA)
Classification: Likely benign for Breast-ovarian cancer, familial, susceptibility to, 1. Last evaluated: 2017-06-29. Review status: reviewed by expert panel. Criteria: ENIGMA BRCA1/2 Classification Criteria (2017-06-29). Collection method: curation. Allele origin: germline.
Comment: Synonymous substitution variant, with low bioinformatic likelihood to result in a splicing aberration (Splicing prior probability 0.02).

Brotman Baty Institute, University of Washington
No classification provided (evidence only). Condition: Breast-ovarian cancer, familial 1. Review status: no classification provided. Collection method: in vitro. Allele origin: not applicable. Functional consequence: functionally_normal. Not counted in ClinVar's aggregate classification.
ClinVar note: "not provided" was previously submitted as the classification for the variant. However, the classification appeared to be based only on an observation of functional data so it was converted to no classification on 2025-07-30.